The following is an entry in ClinVar:

NM_001261826.3(AP3D1):c.2803AAG[3] (p.Lys938del)

Gene: AP3D1 (adaptor related protein complex 3 subunit delta 1; minus strand). Cytogenetic location: 19p13.3.
Variant type: Microsatellite.
Coding change: c.2803AAG[3] on transcript NM_001261826.3 (MANE Select); three copies in a row of the 3-base unit AAG starting at c.2803; the reference has four copies in a row; one copy, 3 bases deleted.
Protein change: p.Lys938del; deletes lysine 938.
Genome position (GRCh38, 1-based): chr19:2,111,802-2,111,804, CTT deleted on the plus strand (AAG on the coding strand, the reverse complement: AP3D1 is on the minus strand); deleting any 3 consecutive bases within chr19:2,111,802-2,111,813 gives the same sequence; the position shown is the placement nearest the transcript's 3' end. VCF-style (leftmost placement, unchanged base first): chr19-2111801-GCTT-G. GRCh37 (hg19) VCF-style: chr19-2111800-GCTT-G.
Other names: c.2767AAG[3], p.Lys926del (NM_001374799.1); c.2617AAG[3], p.Lys876del (NM_003938.8); short protein forms K876del, K926del, K938del.
Identifiers: ClinVar variation 4798436 (VCV004798436.1).

ClinVar aggregate classification (germline): Uncertain significance (1 of 4 stars; one submission).

Submission:

Labcorp Genetics (formerly Invitae), Labcorp
Classification: Uncertain significance. Last evaluated: 2025-12-18. Review status: criteria provided, single submitter. Criteria: Invitae Variant Classification Sherloc (09022015). Collection method: clinical testing. Allele origin: germline.
Comment: This variant, c.2812_2814del, results in the deletion of 1 amino acid(s) of the AP3D1 protein (p.Lys938del), but otherwise preserves the integrity of the reading frame. The frequency data for this variant in the population databases is considered unreliable, as metrics indicate poor data quality at this position in the gnomAD database. This variant has not been reported in the literature in individuals affected with AP3D1-related conditions. Experimental studies and prediction algorithms are not available or were not evaluated, and the functional significance of this variant is currently unknown. In summary, the available evidence is currently insufficient to determine the role of this variant in disease. Therefore, it has been classified as a Variant of Uncertain Significance.